The following is an entry in ClinVar:

ClinVar aggregate classification (germline): Uncertain significance (1 of 4 stars; one submission).

Conditions:
CHARGE syndrome (CHARGE). Also called: Hittner Hirsch Kreh syndrome; CHARGE ASSOCIATION--COLOBOMA, HEART ANOMALY, CHOANAL ATRESIA, RETARDATION, GENITAL AND EAR ANOMALIES; Coloboma, heart anomaly, choanal atresia, retardation, genital and ear anomalies; CHARGE association; Hall-Hittner syndrome. Identifiers: Orphanet 138, MedGen C0265354, MONDO:0008965.

Submission:

Labcorp Genetics (formerly Invitae), Labcorp
Classification: Uncertain significance for CHARGE syndrome. Last evaluated: 2024-01-31. Review status: criteria provided, single submitter. Criteria: Invitae Variant Classification Sherloc (09022015). Collection method: clinical testing. Allele origin: germline.
Comment: This sequence change replaces glutamine, which is neutral and polar, with histidine, which is basic and polar, at codon 212 of the CHD7 protein (p.Gln212His). This variant is not present in population databases (gnomAD no frequency). This variant has not been reported in the literature in individuals affected with CHD7-related conditions. Advanced modeling of protein sequence and biophysical properties (such as structural, functional, and spatial information, amino acid conservation, physicochemical variation, residue mobility, and thermodynamic stability) performed at Invitae indicates that this missense variant is not expected to disrupt CHD7 protein function with a negative predictive value of 95%. In summary, the available evidence is currently insufficient to determine the role of this variant in disease. Therefore, it has been classified as a Variant of Uncertain Significance.

NM_017780.4(CHD7):c.636G>T (p.Gln212His)

Gene: CHD7 (chromodomain helicase DNA binding protein 7; plus strand). Cytogenetic location: 8q12.2.
Variant type: single nucleotide variant.
Coding change: c.636G>T on transcript NM_017780.4 (MANE Select); coding-DNA position 636, G replaced by T.
Protein change: p.Gln212His; replaces glutamine 212 with histidine.
Molecular consequence: missense variant.
Genome position (GRCh38, 1-based): chr8:60,742,068, G>T. VCF-style: chr8-60742068-G-T. GRCh37 (hg19) VCF-style: chr8-61654627-G-T.
Other names: c.636G>T, p.Gln212His (NM_001316690.1); short protein forms Q212H.
Identifiers: ClinVar variation 2704081 (VCV002704081.3), dbSNP rs2487267373, ClinGen allele CA371298561.